The following is an entry in ClinVar:

NM_001114753.3(ENG):c.992-5C>G

Gene: ENG (endoglin; minus strand). Cytogenetic location: 9q34.11.
Variant type: single nucleotide variant.
Coding change: c.992-5C>G on transcript NM_001114753.3 (MANE Select); 5 bases into the intron before coding-DNA position 992, C replaced by G.
Molecular consequence: intron variant.
Genome position (GRCh38, 1-based): chr9:127,824,451, G>C on the plus strand (C>G on the coding strand, the complement: ENG is on the minus strand). VCF-style: chr9-127824451-G-C. GRCh37 (hg19) VCF-style: chr9-130586730-G-C.
Other names: c.992-5C>G (NM_000118.4, NM_001406715.1); c.446-5C>G (NM_001278138.2).
Identifiers: ClinVar variation 1768627 (VCV001768627.2), dbSNP rs765715581, ClinGen allele CA5252904.

ClinVar aggregate classification (germline): Uncertain significance (1 of 4 stars; one submission).

Conditions:
Cardiovascular phenotype. Identifiers: MedGen CN230736.

gnomAD v4.1: 5 of 1,613,698 alleles (0.00031%); highest among the groups gnomAD compares: Non-Finnish European, 0.00042%; no homozygotes.

Submission:

Ambry Genetics
Classification: Uncertain significance for Cardiovascular phenotype. Last evaluated: 2018-06-19. Review status: criteria provided, single submitter. Criteria: Ambry Variant Classification Scheme 2023. Collection method: clinical testing. Allele origin: germline.
Comment: The c.992-5C>G intronic variant results from a C to G substitution 5 nucleotides upstream from coding exon 8 in the ENG gene. This nucleotide position is not well conserved in available vertebrate species. Using the BDGP and ESEfinder splice site prediction tools, this alteration is not predicted to have any significant effect on this splice acceptor site; however, direct evidence is unavailable. Since supporting evidence is limited at this time, the clinical significance of this alteration remains unclear.